The following is an entry in ClinVar:

NM_000501.4(ELN):c.271C>A (p.Leu91Met)

Gene: ELN (elastin; plus strand). Cytogenetic location: 7q11.23.
Variant type: single nucleotide variant.
Coding change: c.271C>A on transcript NM_000501.4 (MANE Select); coding-DNA position 271, C replaced by A.
Protein change: p.Leu91Met; replaces leucine 91 with methionine.
Molecular consequence: missense variant.
Genome position (GRCh38, 1-based): chr7:74,042,652, C>A. VCF-style: chr7-74042652-C-A. GRCh37 (hg19) VCF-style: chr7-73456982-C-A.
Other names: c.241C>A, p.Leu81Met (NM_001081752.3, NM_001278914.2, NM_001278917.2 and 1 more transcripts); c.271C>A, p.Leu91Met (NM_001081753.3, NM_001081754.3, NM_001081755.3 and 4 more transcripts); c.235C>A, p.Leu79Met (NM_001278913.2); short protein forms L91M, L79M, L81M.
Identifiers: ClinVar variation 3696312 (VCV003696312.2).
Genomic context (GRCh38, chr7:74,042,652, plus strand): 5'-CACCCCATCCTCCCCTCCGCAGGGCTCGGCGCCTTCCCCGCAGTTACCTTTCCGGGGGCT[C>A]TGGTGCCTGGTGGAGTGGCTGACGCTGCTGCAGCCTATAAAGCTGCTAAGGCTGGTGAGT-3'
Protein context (NP_000492.2, residues 81-101): AFPAVTFPGA[Leu91Met]VPGGVADAAA

ClinVar aggregate classification (germline): Uncertain significance (1 of 4 stars; one submission).

Conditions:
Supravalvar aortic stenosis (SVAS). Also called: Supravalvar aortic stenosis, Eisenberg type. Identifiers: Orphanet 3193, MedGen C0003499, MONDO:0008504, OMIM 185500, HP:0004381.

Submission:

Labcorp Genetics (formerly Invitae), Labcorp
Classification: Uncertain significance for Supravalvar aortic stenosis. Last evaluated: 2024-04-29. Review status: criteria provided, single submitter. Criteria: Invitae Variant Classification Sherloc (09022015). Collection method: clinical testing. Allele origin: germline.
Comment: This sequence change replaces leucine, which is neutral and non-polar, with methionine, which is neutral and non-polar, at codon 91 of the ELN protein (p.Leu91Met). This variant is not present in population databases (gnomAD no frequency). This variant has not been reported in the literature in individuals affected with ELN-related conditions. Advanced modeling of protein sequence and biophysical properties (such as structural, functional, and spatial information, amino acid conservation, physicochemical variation, residue mobility, and thermodynamic stability) performed at Invitae indicates that this missense variant is not expected to disrupt ELN protein function with a negative predictive value of 80%. In summary, the available evidence is currently insufficient to determine the role of this variant in disease. Therefore, it has been classified as a Variant of Uncertain Significance.